The following is an entry in ClinVar:

ClinVar aggregate classification (germline): Uncertain significance (1 of 4 stars; one submission).

Conditions:
Malignant hyperthermia, susceptibility to, 1 (MHS1). Also called: Anesthesia related hyperthermia; Malignant hyperpyrexia; Fulminating hyperpyrexia; Pharmacogenic myopathy; Malignant hyperthermia suceptibility 1; RYR1-Related Malignant Hyperthermia Susceptibility. Identifiers: Orphanet 423, MedGen C2930980, MONDO:0007783, OMIM 145600.

gnomAD v4.1: 1 of 1,614,092 alleles (0.000062%); highest among the groups gnomAD compares: Non-Finnish European, 0.000085%; no homozygotes.

Submission:

All of Us Research Program, National Institutes of Health
Classification: Uncertain significance for Malignant hyperthermia, susceptibility to, 1. Last evaluated: 2024-05-14. Review status: criteria provided, single submitter. Criteria: ACMG Guidelines, 2015. Collection method: clinical testing. Allele origin: germline. Inheritance: Autosomal dominant inheritance. Observed: 1 variant allele, 1 heterozygote.
Comment: This missense variant replaces serine with cysteine at codon 3795 of the RYR1 protein. Computational prediction is inconclusive regarding the impact of this variant on protein structure and function (internally defined REVEL score threshold 0.5 < inconclusive < 0.7, PMID: 27666373). To our knowledge, functional studies have not been reported for this variant. This variant has not been reported in individuals affected with RYR1-related disorders in the literature. This variant has not been identified in the general population by the Genome Aggregation Database (gnomAD). The available evidence is insufficient to determine the role of this variant in disease conclusively. Therefore, this variant is classified as a Variant of Uncertain Significance.

This study involves interpretation of variants in research participants for the purpose of population health screening. Participant phenotype was not available at the time of variant classification. Additional details can be found in publication PMID: 35346344, PMCID: PMC8962531

NM_000540.3(RYR1):c.11384C>G (p.Ser3795Cys)

Gene: RYR1 (ryanodine receptor 1; plus strand). Cytogenetic location: 19q13.2.
Variant type: single nucleotide variant.
Coding change: c.11384C>G on transcript NM_000540.3 (MANE Select); coding-DNA position 11384, C replaced by G.
Protein change: p.Ser3795Cys; replaces serine 3795 with cysteine.
Molecular consequence: missense variant.
Genome position (GRCh38, 1-based): chr19:38,535,165, C>G. VCF-style: chr19-38535165-C-G. GRCh37 (hg19) VCF-style: chr19-39025805-C-G.
Other names: c.11369C>G, p.Ser3790Cys (NM_001042723.2); short protein forms S3790C, S3795C.
Identifiers: ClinVar variation 3385557 (VCV003385557.1).